The following is an entry in ClinVar:

NM_004482.4(GALNT3):c.446_451del (p.Cys149_Asn151delinsTyr)

Gene: GALNT3 (polypeptide N-acetylgalactosaminyltransferase 3; minus strand). Cytogenetic location: 2q24.3.
Variant type: Deletion.
Coding change: c.446_451del on transcript NM_004482.4 (MANE Select); coding-DNA positions 446 to 451, 6 bases deleted (GCTTTA; older notation c.446_451delGCTTTA).
Protein change: p.Cys149_Asn151delinsTyr.
Molecular consequence: inframe indel.
Genome position (GRCh38, 1-based): chr2:165,770,250-165,770,255, TAAAGC deleted on the plus strand (GCTTTA on the coding strand, the reverse complement: GALNT3 is on the minus strand). VCF-style (leftmost placement, unchanged base first): chr2-165770249-TTAAAGC-T. GRCh37 (hg19) VCF-style: chr2-166626759-TTAAAGC-T.
Identifiers: ClinVar variation 4809645 (VCV004809645.1).
Genomic context (GRCh38, chr2:165,770,249, plus strand): 5'-GGAGGTCGAGTGTCTGGTCCAAGATCTCGGTGCAAAGAAATCCTGTCACTTGCGAAAGCA[TTAAAGC>T]AGTGTTTAGCTTCCCCACGTTCCTTTTCCTTTTGCTCTTCAACACTTAAATTGGTTGTCT-3'

ClinVar aggregate classification (germline): Uncertain significance (1 of 4 stars; one submission).

Submission:

Labcorp Genetics (formerly Invitae), Labcorp
Classification: Uncertain significance. Last evaluated: 2025-03-13. Review status: criteria provided, single submitter. Criteria: Invitae Variant Classification Sherloc (09022015). Collection method: clinical testing. Allele origin: germline.
Comment: This variant, c.446_451del, is a complex sequence change that results in the deletion of 3 and insertion of 1 amino acid(s) in the GALNT3 protein (p.Cys149_Asn151delinsTyr). This variant is not present in population databases (gnomAD no frequency). This variant has not been reported in the literature in individuals affected with GALNT3-related conditions. Experimental studies and prediction algorithms are not available or were not evaluated, and the functional significance of this variant is currently unknown. In summary, the available evidence is currently insufficient to determine the role of this variant in disease. Therefore, it has been classified as a Variant of Uncertain Significance.